The following is an entry in ClinVar:

NM_003070.5(SMARCA2):c.4029T>G (p.Leu1343=)

Gene: SMARCA2 (SWI/SNF related BAF chromatin remodeling complex subunit ATPase 2; plus strand). Cytogenetic location: 9p24.3.
Variant type: single nucleotide variant.
Coding change: c.4029T>G on transcript NM_003070.5 (MANE Select); coding-DNA position 4029, T replaced by G.
Protein change: p.Leu1343=; no amino-acid change (leucine 1343 retained).
Molecular consequence: synonymous variant.
Genome position (GRCh38, 1-based): chr9:2,161,733, T>G. VCF-style: chr9-2161733-T-G. GRCh37 (hg19) VCF-style: chr9-2161733-T-G.
Other names: c.4029T>G (NM_003070.4); c.4029T>G, p.Leu1343= (NM_001289396.2, NM_139045.4); c.3855T>G, p.Leu1285= (NM_001289397.2); c.57T>G, p.Leu19= (NM_001289398.2); c.141T>G, p.Leu47= (NM_001289399.2); c.147T>G, p.Leu49= (NM_001289400.2).
Identifiers: ClinVar variation 366231 (VCV000366231.45), dbSNP rs150227062, ClinGen allele CA4963996.

ClinVar aggregate classification (germline): Benign/Likely benign. Review status: criteria provided, multiple submitters, no conflicts (2 of 4 stars). 7 submissions from 7 submitters: Benign (3); Likely benign (4). Last evaluated 2026-01-27.

Conditions:
SMARCA2-related disorder. Also called: SMARCA2-related condition.
Inborn genetic diseases. Identifiers: MedGen C0950123, MeSH D030342.
Nicolaides-Baraitser syndrome (NCBRS). Also called: Intellectual disability-sparse hair-brachydactyly syndrome; SMARCA2-Related Nicolaides-Baraitser Syndrome. Identifiers: Orphanet 3051, MedGen C1303073, MONDO:0011053, OMIM 601358.

Allele frequency attached by ClinVar (database versions not stated): TOPMed 0.00038.
gnomAD v4.1: 552 of 1,613,868 alleles (0.034%); highest among the groups gnomAD compares: Non-Finnish European, 0.029%; 3 homozygotes.

Submissions (7):

Labcorp Genetics (formerly Invitae), Labcorp
Classification: Benign. Last evaluated: 2026-01-27. Review status: criteria provided, single submitter. Criteria: Invitae Variant Classification Sherloc (09022015). Collection method: clinical testing. Allele origin: germline.

CeGaT Center for Human Genetics Tuebingen
Classification: Likely benign. Last evaluated: 2025-10-01. Review status: criteria provided, single submitter. Criteria: CeGaT Center For Human Genetics Tuebingen Variant Classification Criteria Version 2. Collection method: clinical testing. Allele origin: germline. Affected: yes. Observed: 7 variant alleles.
Comment: SMARCA2: BP4, BP7

Blueprint Genetics
Classification: Likely benign. Last evaluated: 2024-10-10. Review status: criteria provided, single submitter. Criteria: ACMG Guidelines, 2015. Collection method: clinical testing. Allele origin: germline.

PreventionGenetics, part of Exact Sciences
Classification: Benign for SMARCA2-related condition. Last evaluated: 2024-10-04. Review status: criteria provided, single submitter. Criteria: ACMG Guidelines, 2015. Collection method: clinical testing. Allele origin: germline.
Comment: This variant is classified as benign based on ACMG/AMP sequence variant interpretation guidelines (Richards et al. 2015 PMID: 25741868, with internal and published modifications).

GeneDx
Classification: Likely benign. Last evaluated: 2020-12-01. Review status: criteria provided, single submitter. Criteria: GeneDx Variant Classification Process June 2021. Collection method: clinical testing. Allele origin: germline. Affected: yes.

Illumina Laboratory Services, Illumina
Classification: Benign for Nicolaides-Baraitser syndrome. Last evaluated: 2018-01-12. Review status: criteria provided, single submitter. Criteria: ICSL Variant Classification Criteria 13 December 2019. Collection method: clinical testing. Allele origin: germline.
Comment: This variant was observed in the ICSL laboratory as part of a predisposition screen in an ostensibly healthy population. It had not been previously curated by ICSL or reported in the Human Gene Mutation Database (HGMD: prior to June 1st, 2018), and was therefore a candidate for classification through an automated scoring system. Utilizing variant allele frequency, disease prevalence and penetrance estimates, and inheritance mode, an automated score was calculated to assess if this variant is too frequent to cause the disease. Based on the score and internal cut-off values, a variant classified as benign is not then subjected to further curation. The score for this variant resulted in a classification of benign for this disease.

Ambry Genetics
Classification: Likely benign for Inborn genetic diseases. Last evaluated: 2017-01-03. Review status: criteria provided, single submitter. Criteria: Ambry Variant Classification Scheme 2023. Collection method: clinical testing. Allele origin: germline.